The following is an entry in ClinVar:

ClinVar aggregate classification (germline): Uncertain significance. Review status: criteria provided, multiple submitters, no conflicts (2 of 4 stars). 4 submissions from 3 submitters: Uncertain significance (4). Last evaluated 2023-11-04.

Conditions:
Usher syndrome type 2A. Also called: RETINAL DISEASE IN USHER SYNDROME TYPE IIA, MODIFIER OF; USHER SYNDROME, TYPE IIA. Identifiers: Orphanet 231178, Orphanet 886, MedGen C1848634, MONDO:0010169, OMIM 276901.
Retinitis pigmentosa 39 (RP39). Identifiers: Orphanet 791, MedGen C3151138, MONDO:0013436, OMIM 613809.

gnomAD v4.1: 3 of 1,613,936 alleles (0.00019%); highest among the groups gnomAD compares: Non-Finnish European, 0.00025%; no homozygotes.

Submissions (4):

Genome-Nilou Lab
Classification: Uncertain significance for Retinitis pigmentosa 39. Last evaluated: 2023-11-04. Review status: criteria provided, single submitter. Criteria: ACMG Guidelines, 2015. Collection method: clinical testing. Allele origin: germline. Affected: no.

Genome-Nilou Lab
Classification: Uncertain significance for Usher syndrome type 2A. Last evaluated: 2023-11-04. Review status: criteria provided, single submitter. Criteria: ACMG Guidelines, 2015. Collection method: clinical testing. Allele origin: germline. Affected: no.

Labcorp Genetics (formerly Invitae), Labcorp
Classification: Uncertain significance. Last evaluated: 2022-08-07. Review status: criteria provided, single submitter. Criteria: Invitae Variant Classification Sherloc (09022015). Collection method: clinical testing. Allele origin: germline.
Comment: This variant is not present in population databases (gnomAD no frequency). This sequence change replaces glycine, which is neutral and non-polar, with alanine, which is neutral and non-polar, at codon 2798 of the USH2A protein (p.Gly2798Ala). This variant has not been reported in the literature in individuals affected with USH2A-related conditions. ClinVar contains an entry for this variant (Variation ID: 289903). Algorithms developed to predict the effect of missense changes on protein structure and function are either unavailable or do not agree on the potential impact of this missense change (SIFT: "Deleterious"; PolyPhen-2: "Benign"; Align-GVGD: "Class C55"). In summary, the available evidence is currently insufficient to determine the role of this variant in disease. Therefore, it has been classified as a Variant of Uncertain Significance.

Eurofins Ntd Llc (ga)
Classification: Uncertain significance. Last evaluated: 2016-08-16. Review status: criteria provided, single submitter. Criteria: EGL Classification Definitions 2015. Collection method: clinical testing. Allele origin: germline. Observed: 1 variant allele, 1 heterozygote.

NM_206933.4(USH2A):c.8393G>C (p.Gly2798Ala)

Gene: USH2A (usherin; minus strand). Cytogenetic location: 1q41.
Variant type: single nucleotide variant.
Coding change: c.8393G>C on transcript NM_206933.4 (MANE Select); coding-DNA position 8393, G replaced by C.
Protein change: p.Gly2798Ala; replaces glycine 2798 with alanine.
Molecular consequence: missense variant.
Genome position (GRCh38, 1-based): chr1:215,878,929, C>G on the plus strand (G>C on the coding strand, the complement: USH2A is on the minus strand). VCF-style: chr1-215878929-C-G. GRCh37 (hg19) VCF-style: chr1-216052271-C-G.
Other names: short protein forms G2798A.
Identifiers: ClinVar variation 289903 (VCV000289903.10), dbSNP rs886044303, ClinGen allele CA10606592.